The following is an entry in ClinVar:

ClinVar aggregate classification (germline): Uncertain significance (1 of 4 stars; one submission).

Conditions:
Hereditary cancer-predisposing syndrome. Also called: Hereditary Cancer Syndrome; Hereditary neoplastic syndrome; Neoplastic Syndromes, Hereditary; Tumor predisposition. Identifiers: Orphanet 140162, MedGen C0027672, MeSH D009386, MONDO:0015356.

Allele frequency attached by ClinVar (database versions not stated): gnomAD exomes below 0.00001.
gnomAD v4.1: 1 of 1,609,808 alleles (0.000062%); highest among the groups gnomAD compares: Non-Finnish European, 0.000085%; no homozygotes.

Submission:

Ambry Genetics
Classification: Uncertain significance for Hereditary cancer-predisposing syndrome. Last evaluated: 2021-06-14. Review status: criteria provided, single submitter. Criteria: Ambry Variant Classification Scheme 2023. Collection method: clinical testing. Allele origin: germline.
Comment: The p.L20S variant (also known as c.59T>C), located in coding exon 2 of the SDHD gene, results from a T to C substitution at nucleotide position 59. The leucine at codon 20 is replaced by serine, an amino acid with dissimilar properties. This amino acid position is not well conserved in available vertebrate species. In addition, the in silico prediction for this alteration is inconclusive. Since supporting evidence is limited at this time, the clinical significance of this alteration remains unclear.

NM_003002.4(SDHD):c.59T>C (p.Leu20Ser)

Gene: SDHD (succinate dehydrogenase complex subunit D; plus strand). Cytogenetic location: 11q23.1.
Variant type: single nucleotide variant.
Coding change: c.59T>C on transcript NM_003002.4 (MANE Select); coding-DNA position 59, T replaced by C.
Protein change: p.Leu20Ser; replaces leucine 20 with serine.
Molecular consequence: missense variant. On other transcripts: non-coding transcript variant (1), intron variant (1).
Genome position (GRCh38, 1-based): chr11:112,087,863, T>C. VCF-style: chr11-112087863-T-C. GRCh37 (hg19) VCF-style: chr11-111958587-T-C.
Other names: c.59T>C, p.Leu20Ser (NM_001276503.2, NM_001276506.2); c.52+904T>C (NM_001276504.2); short protein forms L20S.
Identifiers: ClinVar variation 1750971 (VCV001750971.2), dbSNP rs1865651130, ClinGen allele CA382616913.